The following is an entry in ClinVar:

ClinVar aggregate classification (germline): Pathogenic (1 of 4 stars; one submission).

Conditions:
Danon disease. Also called: PSEUDOGLYCOGENOSIS II; GSD IIb; LYSOSOMAL GLYCOGEN STORAGE DISEASE WITHOUT ACID MALTASE DEFICIENCY; ANTOPOL DISEASE; Glycogen Storage Disease Type IIb. Identifiers: Orphanet 34587, MedGen C0878677, MONDO:0010281, OMIM 300257.

Submission:

Labcorp Genetics (formerly Invitae), Labcorp
Classification: Pathogenic for Danon disease. Last evaluated: 2018-05-09. Review status: criteria provided, single submitter. Criteria: Invitae Variant Classification Sherloc (09022015). Collection method: clinical testing. Allele origin: germline.
Comment: For these reasons, this variant has been classified as Pathogenic. Loss-of-function variants in LAMP2 are known to be pathogenic (PMID: 21415759). A different variant (c.138G>A) giving rise to the same protein effect observed here (p.Trp46*) has been reported in an individual affected with Danon disease (PMID: 15889279). This variant has been observed in an individual affected with Danon disease (PMID: 23504560). This variant is not present in population databases (ExAC no frequency). This sequence change creates a premature translational stop signal (p.Trp46*) in the LAMP2 gene. It is expected to result in an absent or disrupted protein product.

Literature cited by the submitters: PubMed 21415759; PubMed 15889279; PubMed 23504560.

NM_002294.3(LAMP2):c.137G>A (p.Trp46Ter)

Gene: LAMP2 (lysosome associated membrane protein 2; minus strand). Cytogenetic location: Xq24.
Variant type: single nucleotide variant.
Coding change: c.137G>A on transcript NM_002294.3 (MANE Select); coding-DNA position 137, G replaced by A.
Protein change: p.Trp46Ter; replaces tryptophan 46 with a stop codon.
Molecular consequence: nonsense.
Genome position (GRCh38, 1-based): chrX:120,456,697, C>T on the plus strand (G>A on the coding strand, the complement: LAMP2 is on the minus strand). VCF-style: chrX-120456697-C-T. GRCh37 (hg19) VCF-style: chrX-119590552-C-T.
Other names: c.137G>A, p.Trp46Ter (NM_001122606.1, NM_013995.2); short protein forms W46*.
Identifiers: ClinVar variation 577660 (VCV000577660.10), dbSNP rs1569371591, ClinGen allele CA414403658.